The following is an entry in ClinVar:

ClinVar aggregate classification (germline): Uncertain significance (1 of 4 stars; one submission).

Conditions:
Developmental and epileptic encephalopathy, 32 (DEE32). Also called: Epileptic encephalopathy, early infantile, 32. Identifiers: Orphanet 442835, MedGen C4225350, MONDO:0014607, OMIM 616366.

gnomAD v4.1: 1 of 1,614,210 alleles (0.000062%); highest among the groups gnomAD compares: Non-Finnish European, 0.000085%; no homozygotes.

Submission:

OLLIN Analises Genomicas, OLLIN
Classification: Uncertain significance for Developmental and epileptic encephalopathy, 32. Last evaluated: 2026-02-13. Review status: criteria provided, single submitter. Criteria: ACMG Guidelines 2015 PMID 25741868. Collection method: clinical testing. Allele origin: germline. Observed: 1 variant allele.
Comment: PM2_P, PP2, PP3_M, BS2

NM_004974.4(KCNA2):c.269A>G (p.Tyr90Cys)

Gene: KCNA2 (potassium voltage-gated channel subfamily A member 2; minus strand). Cytogenetic location: 1p13.3.
Variant type: single nucleotide variant.
Coding change: c.269A>G on transcript NM_004974.4 (MANE Select); coding-DNA position 269, A replaced by G.
Protein change: p.Tyr90Cys; replaces tyrosine 90 with cysteine.
Molecular consequence: missense variant.
Genome position (GRCh38, 1-based): chr1:110,604,514, T>C on the plus strand (A>G on the coding strand, the complement: KCNA2 is on the minus strand). VCF-style: chr1-110604514-T-C. GRCh37 (hg19) VCF-style: chr1-111147136-T-C.
Other names: c.269A>G, p.Tyr90Cys (NM_001204269.2); short protein forms Y90C.
Identifiers: ClinVar variation 4814082 (VCV004814082.1).